The following is an entry in ClinVar:

NM_000742.4(CHRNA2):c.537C>G (p.Tyr179Ter)

Gene: CHRNA2 (cholinergic receptor nicotinic alpha 2 subunit; minus strand). Cytogenetic location: 8p21.2.
Variant type: single nucleotide variant.
Coding change: c.537C>G on transcript NM_000742.4 (MANE Select); coding-DNA position 537, C replaced by G.
Protein change: p.Tyr179Ter; replaces tyrosine 179 with a stop codon.
Molecular consequence: nonsense. On other transcripts: intron variant (2).
Genome position (GRCh38, 1-based): chr8:27,463,906, G>C on the plus strand (C>G on the coding strand, the complement: CHRNA2 is on the minus strand). VCF-style: chr8-27463906-G-C. GRCh37 (hg19) VCF-style: chr8-27321423-G-C.
Other names: c.492C>G, p.Tyr164Ter (NM_001282455.2); c.60C>G, p.Tyr20Ter (NM_001347705.2, NM_001347706.2); c.-12-46C>G (NM_001347708.2); c.-9-49C>G (NM_001347707.2); short protein forms Y164*, Y179*, Y20*.
Identifiers: ClinVar variation 659083 (VCV000659083.5), dbSNP rs192887571, ClinGen allele CA4689638.

ClinVar aggregate classification (germline): Uncertain significance (1 of 4 stars; one submission).

Conditions:
Familial sleep-related hypermotor epilepsy. Also called: Autosomal Dominant Sleep-Related Hypermotor (Hyperkinetic) Epilepsy. Identifiers: Orphanet 98784, MedGen C3696898, MONDO:0000030.

Allele frequency attached by ClinVar (database versions not stated): TOPMed 0.00005.
gnomAD v4.1: 6 of 1,614,100 alleles (0.00037%); highest among the groups gnomAD compares: East Asian, 0.0089%; no homozygotes.

Submission:

Labcorp Genetics (formerly Invitae), Labcorp
Classification: Uncertain significance. Last evaluated: 2020-01-28. Review status: criteria provided, single submitter. Criteria: Invitae Variant Classification Sherloc (09022015). Collection method: clinical testing. Allele origin: germline.
Comment: This variant has been observed in an individual with epilepsy (PMID: 28600779). In summary, the available evidence is currently insufficient to determine the role of this variant in disease. Therefore, it has been classified as a Variant of Uncertain Significance. The current clinical and genetic evidence is not sufficient to establish whether loss-of-function variants in CHRNA2 cause disease. Algorithms developed to predict the effect of sequence changes on RNA splicing suggest that this variant may create or strengthen a splice site, but this prediction has not been confirmed by published transcriptional studies. This variant is present in population databases (rs192887571, ExAC 0.02%). This sequence change creates a premature translational stop signal (p.Tyr179*) in the CHRNA2 gene. It is expected to result in an absent or disrupted protein product.

Literature cited by the submitters: PubMed 28600779.